The following is an entry in ClinVar:

ClinVar aggregate classification (germline): Uncertain significance. Review status: criteria provided, multiple submitters, no conflicts (2 of 4 stars). 2 submissions from 2 submitters: Uncertain significance (2). Last evaluated 2025-08-28.

Conditions:
Inborn genetic diseases. Identifiers: MedGen C0950123, MeSH D030342.
Acyl-CoA oxidase deficiency. Also called: Peroxisomal acyl-CoA oxidase deficiency; STRAIGHT-CHAIN ACYL-CoA OXIDASE DEFICIENCY; Pseudoneonatal adrenoleukodystrophy. Identifiers: Orphanet 2971, MedGen C1849678, MONDO:0009919, OMIM 264470. Disease mechanism: loss of function.

Allele frequency attached by ClinVar (database versions not stated): ExAC 0.00005; gnomAD 0.00005; TOPMed 0.00007; ESP Exome Variant Server 0.00008.
gnomAD v4.1: 37 of 1,613,696 alleles (0.0023%); highest among the groups gnomAD compares: Middle Eastern, 0.016%; no homozygotes.

Submissions (2):

Ambry Genetics
Classification: Uncertain significance for Inborn genetic diseases. Last evaluated: 2025-08-28. Review status: criteria provided, single submitter. Criteria: Ambry Variant Classification Scheme 2023. Collection method: clinical testing. Allele origin: germline.

Labcorp Genetics (formerly Invitae), Labcorp
Classification: Uncertain significance for Acyl-CoA oxidase deficiency. Last evaluated: 2025-01-18. Review status: criteria provided, single submitter. Criteria: Invitae Variant Classification Sherloc (09022015). Collection method: clinical testing. Allele origin: germline.
Comment: This sequence change replaces arginine, which is basic and polar, with glutamine, which is neutral and polar, at codon 94 of the ACOX1 protein (p.Arg94Gln). This variant is present in population databases (rs372320683, gnomAD 0.008%). This variant has not been reported in the literature in individuals affected with ACOX1-related conditions. ClinVar contains an entry for this variant (Variation ID: 2068871). Invitae Evidence Modeling of protein sequence and biophysical properties (such as structural, functional, and spatial information, amino acid conservation, physicochemical variation, residue mobility, and thermodynamic stability) indicates that this missense variant is not expected to disrupt ACOX1 protein function with a negative predictive value of 80%. In summary, the available evidence is currently insufficient to determine the role of this variant in disease. Therefore, it has been classified as a Variant of Uncertain Significance.

NM_004035.7(ACOX1):c.281G>A (p.Arg94Gln)

Gene: ACOX1 (acyl-CoA oxidase 1; minus strand). Cytogenetic location: 17q25.1.
Variant type: single nucleotide variant.
Coding change: c.281G>A on transcript NM_004035.7 (MANE Select); coding-DNA position 281, G replaced by A.
Protein change: p.Arg94Gln; replaces arginine 94 with glutamine.
Molecular consequence: missense variant. On other transcripts: intron variant (1).
Genome position (GRCh38, 1-based): chr17:75,960,364, C>T on the plus strand (G>A on the coding strand, the complement: ACOX1 is on the minus strand). VCF-style: chr17-75960364-C-T. GRCh37 (hg19) VCF-style: chr17-73956445-C-T.
Other names: c.281G>A (NM_004035.6); c.167G>A, p.Arg56Gln (NM_001185039.2); c.431-2798G>A (NM_007292.6); short protein forms R94Q, R56Q.
Identifiers: ClinVar variation 2068871 (VCV002068871.6), dbSNP rs372320683, ClinGen allele CA8777054.